The following is an entry in ClinVar:

ClinVar aggregate classification (germline): Uncertain significance. Review status: criteria provided, multiple submitters, no conflicts (2 of 4 stars). 2 submissions from 2 submitters: Uncertain significance (2). Last evaluated 2025-04-09.

Submissions (2):

Women's Health and Genetics/Laboratory Corporation of America, LabCorp
Classification: Uncertain significance. Last evaluated: 2025-04-09. Review status: criteria provided, single submitter. Criteria: LabCorp Variant Classification Summary - May 2015. Collection method: clinical testing. Allele origin: germline.
Comment: Variant summary: TMEM240 c.344T>C (p.Val115Ala) results in a non-conservative amino acid change in the encoded protein sequence. Three of five in-silico tools predict a damaging effect of the variant on protein function. The variant was absent in 152346 control chromosomes. The available data on variant occurrences in the general population are insufficient to allow any conclusion about variant significance. c.344T>C has been reported in the literature in at-least one heterozygous individual with cerebellar atrophy and progressive cerebellar ataxia in their forties whose variant was inherited from a parent who had not been clinically evaluated (example: Sun_2019). These report(s) do not provide unequivocal conclusions about association of the variant with Spinocerebellar Ataxia Type 21. To our knowledge, no experimental evidence demonstrating an impact on protein function has been reported. The following publication have been ascertained in the context of this evaluation (PMID: 29915382). ClinVar contains an entry for this variant (Variation ID: 437011). Based on the evidence outlined above, the variant was classified as uncertain significance.

Genetic Services Laboratory, University of Chicago
Classification: Uncertain significance. Last evaluated: 2015-12-17. Review status: criteria provided, single submitter. Criteria: ACMG Guidelines, 2015. Collection method: clinical testing. Allele origin: germline. Affected: no.

Literature cited by the submitters: PubMed 29915382 (cited by Women's Health and Genetics/Laboratory Corporation of America, LabCorp).

NM_001114748.2(TMEM240):c.344T>C (p.Val115Ala)

Gene: TMEM240 (transmembrane protein 240; minus strand). Cytogenetic location: 1p36.33.
Variant type: single nucleotide variant.
Coding change: c.344T>C on transcript NM_001114748.2 (MANE Select); coding-DNA position 344, T replaced by C.
Protein change: p.Val115Ala; replaces valine 115 with alanine.
Molecular consequence: missense variant.
Genome position (GRCh38, 1-based): chr1:1,535,618, A>G on the plus strand (T>C on the coding strand, the complement: TMEM240 is on the minus strand). VCF-style: chr1-1535618-A-G. GRCh37 (hg19) VCF-style: chr1-1470998-A-G.
Other names: short protein forms V115A.
Identifiers: ClinVar variation 437011 (VCV000437011.8), dbSNP rs948435492, ClinGen allele CA337866420.